The following is an entry in ClinVar:

ClinVar aggregate classification (germline): Likely benign (1 of 4 stars; one submission).

Submission:

GeneDx
Classification: Likely benign. Last evaluated: 2016-05-12. Review status: criteria provided, single submitter. Criteria: GeneDx Variant Classification (06012015). Collection method: clinical testing. Allele origin: germline. Affected: yes.
Comment: This variant is considered likely benign or benign based on one or more of the following criteria: it is a conservative change, it occurs at a poorly conserved position in the protein, it is predicted to be benign by multiple in silico algorithms, and/or has population frequency not consistent with disease.

NM_001356.5(DDX3X):c.675A>G (p.Gln225=)

Gene: DDX3X (DEAD-box helicase 3 X-linked; plus strand). Cytogenetic location: Xp11.4.
Variant type: single nucleotide variant.
Coding change: c.675A>G on transcript NM_001356.5 (MANE Select); coding-DNA position 675, A replaced by G.
Protein change: p.Gln225=; no amino-acid change (glutamine 225 retained).
Molecular consequence: synonymous variant. On other transcripts: non-coding transcript variant (1).
Genome position (GRCh38, 1-based): chrX:41,343,347, A>G. VCF-style: chrX-41343347-A-G. GRCh37 (hg19) VCF-style: chrX-41202600-A-G.
Other names: c.675A>G, p.Gln225= (NM_001193416.3); c.627A>G, p.Gln209= (NM_001193417.3); c.117A>G, p.Gln39= (NM_001363819.1).
Identifiers: ClinVar variation 386313 (VCV000386313.1), dbSNP rs1057522471, ClinGen allele CA16608925.